The following is an entry in ClinVar:

ClinVar aggregate classification (germline): Uncertain significance (1 of 4 stars; one submission).

Allele frequency attached by ClinVar (database versions not stated): TOPMed 0.00002; gnomAD exomes 0.00004; gnomAD 0.00005; ExAC 0.00006.
gnomAD v4.1: 71 of 1,614,068 alleles (0.0044%); highest among the groups gnomAD compares: Non-Finnish European, 0.0058%; no homozygotes.

Submission:

Labcorp Genetics (formerly Invitae), Labcorp
Classification: Uncertain significance. Last evaluated: 2025-02-25. Review status: criteria provided, single submitter. Criteria: Invitae Variant Classification Sherloc (09022015). Collection method: clinical testing. Allele origin: germline.
Comment: This sequence change replaces valine, which is neutral and non-polar, with isoleucine, which is neutral and non-polar, at codon 1268 of the DSCAML1 protein (p.Val1268Ile). This variant is present in population databases (rs751654112, gnomAD 0.008%). This variant has not been reported in the literature in individuals affected with DSCAML1-related conditions. ClinVar contains an entry for this variant (Variation ID: 2419359). An algorithm developed to predict the effect of missense changes on protein structure and function (PolyPhen-2) suggests that this variant is likely to be tolerated. In summary, the available evidence is currently insufficient to determine the role of this variant in disease. Therefore, it has been classified as a Variant of Uncertain Significance.

NM_020693.4(DSCAML1):c.3622G>A (p.Val1208Ile)

Gene: DSCAML1 (DS cell adhesion molecule like 1; minus strand). Cytogenetic location: 11q23.3.
Variant type: single nucleotide variant.
Coding change: c.3622G>A on transcript NM_020693.4 (MANE Select); coding-DNA position 3622, G replaced by A.
Protein change: p.Val1208Ile; replaces valine 1208 with isoleucine.
Molecular consequence: missense variant.
Genome position (GRCh38, 1-based): chr11:117,450,635, C>T on the plus strand (G>A on the coding strand, the complement: DSCAML1 is on the minus strand). VCF-style: chr11-117450635-C-T. GRCh37 (hg19) VCF-style: chr11-117321351-C-T.
Other names: short protein forms V1208I.
Identifiers: ClinVar variation 2419359 (VCV002419359.6), dbSNP rs751654112, ClinGen allele CA6296640.